The following is an entry in ClinVar:

NM_015466.4(PTPN23):c.4903_4907dup (p.Ter1637ArgextTer?)

Gene: PTPN23 (protein tyrosine phosphatase non-receptor type 23; plus strand). Cytogenetic location: 3p21.31.
Variant type: Duplication.
Coding change: c.4903_4907dup on transcript NM_015466.4 (MANE Select); coding-DNA positions 4903 to 4907, 5 bases duplicated (AAGAC; older notation c.4903_4907dupAAGAC).
Protein change: p.Ter1637ArgextTer?.
Molecular consequence: frameshift variant.
Genome position (GRCh38, 1-based): chr3:47,413,177-47,413,181, AAGAC duplicated; duplicating any 5 consecutive bases within chr3:47,413,175-47,413,181 gives the same sequence; the c. name uses the placement nearest the transcript's 3' end. VCF-style (leftmost placement, unchanged base first): chr3-47413174-A-AACAAG. GRCh37 (hg19) VCF-style: chr3-47454664-A-AACAAG.
Other names: c.4525_4529dup, p.Ter1511ArgextTer? (NM_001304482.2).
Identifiers: ClinVar variation 2091854 (VCV002091854.4), dbSNP rs2546262397, ClinGen allele CA2580069896.

ClinVar aggregate classification (germline): Uncertain significance (1 of 4 stars; one submission).

Submission:

Labcorp Genetics (formerly Invitae), Labcorp
Classification: Uncertain significance. Last evaluated: 2022-02-02. Review status: criteria provided, single submitter. Criteria: Invitae Variant Classification Sherloc (09022015). Collection method: clinical testing. Allele origin: germline.
Comment: This variant is not present in population databases (gnomAD no frequency). This sequence change disrupts the translational stop signal of the PTPN23 mRNA. It is expected to extend the length of the PTPN23 protein by 77 additional amino acid residues. This variant has not been reported in the literature in individuals affected with PTPN23-related conditions. In summary, the available evidence is currently insufficient to determine the role of this variant in disease. Therefore, it has been classified as a Variant of Uncertain Significance. Experimental studies and prediction algorithms are not available or were not evaluated, and the functional significance of this variant is currently unknown.